The following is an entry in ClinVar:

ClinVar aggregate classification (germline): Uncertain significance (1 of 4 stars; one submission).

Conditions:
Renal cell carcinoma. Identifiers: Orphanet 217071, MedGen C0007134, MeSH D002292, MONDO:0005086, HP:0005584.

Submission:

Labcorp Genetics (formerly Invitae), Labcorp
Classification: Uncertain significance for Renal cell carcinoma. Last evaluated: 2023-01-15. Review status: criteria provided, single submitter. Criteria: Invitae Variant Classification Sherloc (09022015). Collection method: clinical testing. Allele origin: germline.
Comment: This sequence change replaces methionine, which is neutral and non-polar, with isoleucine, which is neutral and non-polar, at codon 669 of the MET protein (p.Met669Ile). This variant is not present in population databases (gnomAD no frequency). This variant has not been reported in the literature in individuals affected with MET-related conditions. Advanced modeling of protein sequence and biophysical properties (such as structural, functional, and spatial information, amino acid conservation, physicochemical variation, residue mobility, and thermodynamic stability) performed at Invitae indicates that this missense variant is not expected to disrupt MET protein function. In summary, the available evidence is currently insufficient to determine the role of this variant in disease. Therefore, it has been classified as a Variant of Uncertain Significance.

NM_000245.4(MET):c.2007G>T (p.Met669Ile)

Gene: MET (MET proto-oncogene, receptor tyrosine kinase; plus strand). Cytogenetic location: 7q31.2.
Variant type: single nucleotide variant.
Coding change: c.2007G>T on transcript NM_000245.4 (MANE Select); coding-DNA position 2007, G replaced by T.
Protein change: p.Met669Ile; replaces methionine 669 with isoleucine.
Molecular consequence: missense variant.
Genome position (GRCh38, 1-based): chr7:116,757,679, G>T. VCF-style: chr7-116757679-G-T. GRCh37 (hg19) VCF-style: chr7-116397733-G-T.
Other names: c.2007G>T, p.Met669Ile (NM_001127500.3, NM_001324401.3); c.717G>T, p.Met239Ile (NM_001324402.2); short protein forms M239I, M669I.
Identifiers: ClinVar variation 2996213 (VCV002996213.3), dbSNP rs2485713404, ClinGen allele CA368979728.
Genomic context (GRCh38, chr7:116,757,679, plus strand): 5'-GTTTTTATCTCCCCTCCAGGATCCTGTAATAACAAGTATTTCGCCGAAATACGGTCCTAT[G>T]GCTGGTGGCACTTTACTTACTTTAACTGGAAATTACCTAAACAGTGGGAATTCTAGACAC-3'
Protein context (NP_000236.2, residues 659-679): ITSISPKYGP[Met669Ile]AGGTLLTLTG